The following is an entry in ClinVar:

ClinVar aggregate classification (germline): Benign/Likely benign. Review status: criteria provided, multiple submitters, no conflicts (2 of 4 stars). 5 submissions from 5 submitters: Benign (3); Likely benign (2). Last evaluated 2026-01-27.

Conditions:
Leukocyte adhesion deficiency 3. Also called: INTEGRIN ACTIVATION DEFICIENCY DISEASE; LEUKOCYTE ADHESION DEFICIENCY 1 VARIANT; Leukocyte adhesion deficiency, type III. Identifiers: Orphanet 2968, Orphanet 99844, MedGen C2748536, MONDO:0013016, OMIM 612840.

Allele frequency attached by ClinVar (database versions not stated): gnomAD exomes 0.00121 and 0.00296; ExAC 0.00402; gnomAD 0.01286 and 0.01379; ESP Exome Variant Server 0.01357; 1000 Genomes Project 0.01358; TOPMed 0.01369; 1000 Genomes Project 30x 0.01421.
gnomAD v4.1: 3,764 of 1,611,164 alleles (0.23%); highest among the groups gnomAD compares: African/African-American, 4.6%; 89 homozygotes.

Submissions (5):

Labcorp Genetics (formerly Invitae), Labcorp
Classification: Benign for Leukocyte adhesion deficiency 3. Last evaluated: 2026-01-27. Review status: criteria provided, single submitter. Criteria: Invitae Variant Classification Sherloc (09022015). Collection method: clinical testing. Allele origin: germline.

Women's Health and Genetics/Laboratory Corporation of America, LabCorp
Classification: Benign. Last evaluated: 2026-01-23. Review status: criteria provided, single submitter. Criteria: LabCorp Variant Classification Summary - May 2015. Collection method: clinical testing. Allele origin: germline.

Mayo Clinic Laboratories, Mayo Clinic
Classification: Likely benign. Last evaluated: 2023-10-05. Review status: criteria provided, single submitter. Criteria: ACMG Guidelines, 2015. Collection method: clinical testing. Allele origin: germline. Observed: 4 variant alleles.
Comment: BS1, BP4, BP7

Fulgent Genetics
Classification: Likely benign for Leukocyte adhesion deficiency 3. Last evaluated: 2022-03-17. Review status: criteria provided, single submitter. Criteria: ACMG Guidelines, 2015. Collection method: clinical testing. Allele origin: unknown.

Breakthrough Genomics
Classification: Benign. Review status: criteria provided, single submitter. Criteria: ACMG Guidelines, 2015. Collection method: not provided. Allele origin: germline. Inheritance: Autosomal recessive inheritance. Affected: yes.

Literature cited by the submitters: PubMed 36696755 (cited by Mayo Clinic Laboratories, Mayo Clinic).

NM_031471.6(FERMT3):c.1320G>A (p.Gln440=)

Gene: FERMT3 (FERM domain containing kindlin 3; plus strand). Cytogenetic location: 11q13.1.
Variant type: single nucleotide variant.
Coding change: c.1320G>A on transcript NM_031471.6 (MANE Select); coding-DNA position 1320, G replaced by A.
Protein change: p.Gln440=; no amino-acid change (glutamine 440 retained).
Molecular consequence: synonymous variant.
Genome position (GRCh38, 1-based): chr11:64,220,444, G>A. VCF-style: chr11-64220444-G-A. GRCh37 (hg19) VCF-style: chr11-63987916-G-A.
Other names: p.Gln440=; c.1320G>A, p.Gln440= (NM_001382361.1, NM_001382448.1); c.1332G>A, p.Gln444= (NM_001382362.1, NM_178443.3); c.780G>A, p.Gln260= (NM_001382363.1); c.792G>A, p.Gln264= (NM_001382364.1).
Identifiers: ClinVar variation 470171 (VCV000470171.16), dbSNP rs76744324, ClinGen allele CA6069132.